The following is an entry in ClinVar:

ClinVar aggregate classification (germline): Uncertain significance. Review status: criteria provided, multiple submitters, no conflicts (2 of 4 stars). 3 submissions from 3 submitters: Uncertain significance (3). Last evaluated 2025-12-09.

Conditions:
Cardiovascular phenotype. Identifiers: MedGen CN230736.
Arrhythmogenic right ventricular dysplasia 8 (ARVD8). Also called: Arrhythmogenic Right Ventricular Dysplasia/Cardiomyopathy 8; ARRHYTHMOGENIC RIGHT VENTRICULAR CARDIOMYOPATHY 8; ARRHYTHMOGENIC RIGHT VENTRICULAR DYSPLASIA, FAMILIAL, 8. Identifiers: MedGen C1843896, MONDO:0011831, OMIM 607450.
Arrhythmogenic cardiomyopathy with wooly hair and keratoderma. Also called: Carvajal syndrome; Dilated cardiomyopathy with woolly hair and keratoderma; PALMOPLANTAR KERATODERMA WITH LEFT VENTRICULAR CARDIOMYOPATHY AND WOOLLY HAIR; Arrhythmogenic cardiomyopathy with woolly hair and keratoderma. Identifiers: Orphanet 65282, MedGen C1854063, MONDO:0011581, OMIM 605676.

Allele frequency attached by ClinVar (database versions not stated): gnomAD exomes below 0.00001; ExAC 0.00001.
gnomAD v4.1: 1 of 1,614,134 alleles (0.000062%); highest among the groups gnomAD compares: Non-Finnish European, 0.000085%; no homozygotes.

Submissions (3):

Labcorp Genetics (formerly Invitae), Labcorp
Classification: Uncertain significance for Arrhythmogenic cardiomyopathy with wooly hair and keratoderma; Arrhythmogenic right ventricular dysplasia 8. Last evaluated: 2025-12-09. Review status: criteria provided, single submitter. Criteria: Invitae Variant Classification Sherloc (09022015). Collection method: clinical testing. Allele origin: germline.
Comment: This sequence change replaces serine, which is neutral and polar, with asparagine, which is neutral and polar, at codon 2617 of the DSP protein (p.Ser2617Asn). This variant is present in population databases (rs766739838, gnomAD 0.0009%). This variant has not been reported in the literature in individuals affected with DSP-related conditions. ClinVar contains an entry for this variant (Variation ID: 978329). An algorithm developed to predict the effect of missense changes on protein structure and function (PolyPhen-2) suggests that this variant is likely to be tolerated. In summary, the available evidence is currently insufficient to determine the role of this variant in disease. Therefore, it has been classified as a Variant of Uncertain Significance.

Molecular Diagnostic Laboratory for Inherited Cardiovascular Disease, Montreal Heart Institute
Classification: Uncertain significance for Cardiovascular phenotype. Last evaluated: 2025-02-17. Review status: criteria provided, single submitter. Criteria: ACMG Guidelines, 2015. Collection method: clinical testing. Allele origin: germline. Affected: yes.

All of Us Research Program, National Institutes of Health
Classification: Uncertain significance for Arrhythmogenic cardiomyopathy with wooly hair and keratoderma. Last evaluated: 2023-06-26. Review status: criteria provided, single submitter. Criteria: ACMG Guidelines, 2015. Collection method: clinical testing. Allele origin: germline. Inheritance: Autosomal dominant inheritance. Observed: 1 variant allele, 1 heterozygote.
Comment: This missense variant replaces serine with asparagine at codon 2617 of the DSP protein. Computational prediction suggests that this variant may not impact protein structure and function (internally defined REVEL score threshold <= 0.5, PMID: 27666373). To our knowledge, functional studies have not been reported for this variant. This variant has not been reported in individuals affected with DSP-related disorders in the literature. This variant has been identified in 1/250956 chromosomes in the general population by the Genome Aggregation Database (gnomAD). The available evidence is insufficient to determine the role of this variant in disease conclusively. Therefore, this variant is classified as a Variant of Uncertain Significance.

This study involves interpretation of variants in research participants for the purpose of population health screening. Participant phenotype was not available at the time of variant classification. Additional details can be found in publication PMID: 35346344, PMCID: PMC8962531

NM_004415.4(DSP):c.7850G>A (p.Ser2617Asn)

Gene: DSP (desmoplakin; plus strand). Cytogenetic location: 6p24.3.
Variant type: single nucleotide variant.
Coding change: c.7850G>A on transcript NM_004415.4 (MANE Select); coding-DNA position 7850, G replaced by A.
Protein change: p.Ser2617Asn; replaces serine 2617 with asparagine.
Molecular consequence: missense variant.
Genome position (GRCh38, 1-based): chr6:7,585,112, G>A. VCF-style: chr6-7585112-G-A. GRCh37 (hg19) VCF-style: chr6-7585345-G-A.
Other names: c.6053G>A, p.Ser2018Asn (NM_001008844.3); c.6521G>A, p.Ser2174Asn (NM_001319034.2); short protein forms S2018N, S2174N, S2617N.
Identifiers: ClinVar variation 978329 (VCV000978329.5), dbSNP rs766739838, ClinGen allele CA050983.